The following is an entry in ClinVar:

NM_001267550.2(TTN):c.59467G>T (p.Glu19823Ter)

Genes: TTN (titin; minus strand), TTN-AS1 (TTN antisense RNA 1; plus strand), LOC126806424 (CDK7 strongly-dependent group 2 enhancer GRCh37_chr2:179456337-179457536; plus strand). Cytogenetic location: 2q31.2.
Variant type: single nucleotide variant.
Coding change: c.59467G>T on transcript NM_001267550.2 (MANE Select); coding-DNA position 59467, G replaced by T.
Protein change: p.Glu19823Ter; replaces glutamic acid 19823 with a stop codon.
Molecular consequence: nonsense.
Genome position (GRCh38, 1-based): chr2:178,592,538, C>A on the plus strand (G>T on the coding strand, the complement: TTN is on the minus strand). VCF-style: chr2-178592538-C-A. GRCh37 (hg19) VCF-style: chr2-179457265-C-A.
Other names: c.54544G>T, p.Glu18182Ter (NM_001256850.1); c.32272G>T, p.Glu10758Ter (NM_003319.4); c.51763G>T, p.Glu17255Ter (NM_133378.4); c.32647G>T, p.Glu10883Ter (NM_133432.3); c.32848G>T, p.Glu10950Ter (NM_133437.4); short protein forms E10758*, E10883*, E10950*, E17255*, E18182*, E19823*.
Identifiers: ClinVar variation 3759186 (VCV003759186.2).
Genomic context (GRCh38, chr2:178,592,538, plus strand): 5'-CAAGCTTGCTACCAACTGGAGTCACATCAATTCTTGCTTTAGTTGGAGCATCTCTGTCTT[C>A]TTTTTTCCAAGTTACTTTTGGGAATGGCACTCCTTTGATGATGGCACTAAGTCTTAGAGT-3'

ClinVar aggregate classification (germline): Likely pathogenic (1 of 4 stars; one submission).

Conditions:
Dilated cardiomyopathy 1G (CMD1G). Identifiers: Orphanet 154, MedGen C1858763, MONDO:0011400, OMIM 604145.
Autosomal recessive limb-girdle muscular dystrophy type 2J (LGMDR10). Also called: Limb-girdle muscular dystrophy, type 2J; MUSCULAR DYSTROPHY, LIMB-GIRDLE, AUTOSOMAL RECESSIVE 10. Identifiers: Orphanet 140922, MedGen C1837342, MONDO:0012127, OMIM 608807.

Submission:

Labcorp Genetics (formerly Invitae), Labcorp
Classification: Likely pathogenic for Dilated cardiomyopathy 1G; Autosomal recessive limb-girdle muscular dystrophy type 2J. Last evaluated: 2024-09-21. Review status: criteria provided, single submitter. Criteria: Invitae Variant Classification Sherloc (09022015). Collection method: clinical testing. Allele origin: germline.
Comment: This sequence change creates a premature translational stop signal (p.Glu19823*) in the TTN gene. While this is not anticipated to result in nonsense mediated decay, it is expected to create a truncated TTN protein. This variant is not present in population databases (gnomAD no frequency). This premature translational stop signal has been observed in individual(s) with dilated cardiomyopathy (internal data). This variant is located in the A band of TTN (PMID: 25589632). Truncating variants in this region are significantly overrepresented in patients affected with dilated cardiomyopathy (PMID: 25589632). Truncating variants in this region have also been reported in individuals affected with autosomal recessive centronuclear myopathy (PMID: 23975875). In summary, the currently available evidence indicates that the variant is pathogenic, but additional data are needed to prove that conclusively. Therefore, this variant has been classified as Likely Pathogenic.

Literature cited by the submitters: PubMed 25589632; PubMed 23975875.